The following is an entry in ClinVar:

ClinVar aggregate classification (germline): Uncertain significance (1 of 4 stars; one submission).

Conditions:
Hereditary cancer-predisposing syndrome. Also called: Neoplastic Syndromes, Hereditary; Tumor predisposition; Hereditary neoplastic syndrome; Hereditary Cancer Syndrome. Identifiers: Orphanet 140162, MedGen C0027672, MeSH D009386, MONDO:0015356.

Submission:

Ambry Genetics
Classification: Uncertain significance for Hereditary cancer-predisposing syndrome. Last evaluated: 2026-07-06. Review status: criteria provided, single submitter. Criteria: Ambry Variant Classification Scheme 2023. Collection method: clinical testing. Allele origin: germline.
Comment: The p.L647F variant (also known as c.1939C>T), located in coding exon 19 of the RB1 gene, results from a C to T substitution at nucleotide position 1939. The leucine at codon 647 is replaced by phenylalanine, an amino acid with highly similar properties. This amino acid position is conserved. In addition, this alteration is predicted to be deleterious by in silico analysis. Based on the available evidence, the clinical significance of this variant remains unclear.

NM_000321.3(RB1):c.1939C>T (p.Leu647Phe)

Gene: RB1 (RB transcriptional corepressor 1; plus strand). Cytogenetic location: 13q14.2.
Variant type: single nucleotide variant.
Coding change: c.1939C>T on transcript NM_000321.3 (MANE Select); coding-DNA position 1939, C replaced by T.
Protein change: p.Leu647Phe; replaces leucine 647 with phenylalanine.
Molecular consequence: missense variant.
Genome position (GRCh38, 1-based): chr13:48,456,328, C>T. VCF-style: chr13-48456328-C-T. GRCh37 (hg19) VCF-style: chr13-49030464-C-T.
Other names: c.1939C>T, p.Leu647Phe (NM_001407165.1); short protein forms L647F.
Identifiers: ClinVar variation 5027934 (VCV005027934.1).